The following is an entry in ClinVar:

NM_000459.5(TEK):c.2398A>G (p.Thr800Ala)

Gene: TEK (TEK receptor tyrosine kinase; plus strand). Cytogenetic location: 9p21.2.
Variant type: single nucleotide variant.
Coding change: c.2398A>G on transcript NM_000459.5 (MANE Select); coding-DNA position 2398, A replaced by G.
Protein change: p.Thr800Ala; replaces threonine 800 with alanine.
Molecular consequence: missense variant.
Genome position (GRCh38, 1-based): chr9:27,206,615, A>G. VCF-style: chr9-27206615-A-G. GRCh37 (hg19) VCF-style: chr9-27206613-A-G.
Other names: c.2269A>G, p.Thr757Ala (NM_001290077.2); c.1954A>G, p.Thr652Ala (NM_001290078.2); c.2395A>G, p.Thr799Ala (NM_001375475.1); c.2266A>G, p.Thr756Ala (NM_001375476.1); short protein forms T652A, T756A, T757A, T799A, T800A.
Identifiers: ClinVar variation 3600430 (VCV003600430.1).

ClinVar aggregate classification (germline): Uncertain significance (1 of 4 stars; one submission).

Conditions:
Multiple cutaneous and mucosal venous malformations (VMCM). Also called: TEK-Related Multiple Cutaneous and Mucosal Venous Malformations (VMCM). Identifiers: Orphanet 2451, MedGen C1838437, MONDO:0010842, OMIM 600195.

Submission:

Clinical Genomics Laboratory, Washington University in St. Louis
Classification: Uncertain significance for Multiple cutaneous and mucosal venous malformations. Last evaluated: 2024-08-30. Review status: criteria provided, single submitter. Criteria: ACMG Guidelines, 2015. Collection method: clinical testing. Allele origin: germline.
Comment: A TEK c.2398A>G (p.Thr800Ala) variant was identified at a near heterozygous allelic fraction of 47.1%, a frequency which may be consistent with germline origin. This variant, to our knowledge, has not been reported in the medical literature. It is absent from the general population (gnomAD v.4.1.0), indicating it is not a common variant. Computational predictors are uncertain as to the impact of this variant on TEK function. Due to limited information, and based on ACMG/AMP guidelines for variant interpretation (Richards S et al., PMID: 25741868), the clinical significance of this variant is uncertain at this time.